The following is an entry in ClinVar:

NM_005802.5(TOPORS):c.-28G>C

Genes: TOPORS (TOP1 binding arginine/serine rich protein, E3 ubiquitin ligase; minus strand), TZMP1 (transition zone microprotein 1; plus strand). Cytogenetic location: 9p21.1.
Variant type: single nucleotide variant.
Coding change: c.-28G>C on transcript NM_005802.5 (MANE Select); 28 bases upstream of the start codon, G replaced by C.
Molecular consequence: 5 prime UTR variant. On other transcripts: missense variant (3), non-coding transcript variant (2).
Genome position (GRCh38, 1-based): chr9:32,552,464, C>G on the plus strand (G>C on the coding strand, the complement: TOPORS is on the minus strand). VCF-style: chr9-32552464-C-G. GRCh37 (hg19) VCF-style: chr9-32552462-C-G.
Other names: c.30C>G, p.Asp10Glu (NM_001349118.1, NM_001349119.2, NM_001387564.1); c.-28G>C (NM_001195622.2); short protein forms D10E.
Identifiers: ClinVar variation 366574 (VCV000366574.6), dbSNP rs15014, ClinGen allele CA5020813.

ClinVar aggregate classification (germline): Benign. Review status: criteria provided, multiple submitters, no conflicts (2 of 4 stars). 2 submissions from 2 submitters: Benign (2). Last evaluated 2018-01-12.

Conditions:
Retinitis pigmentosa (RP). Identifiers: Orphanet 791, MedGen C0035334, MeSH D012174, MONDO:0019200, OMIM 268000. Inheritance: Autosomal dominant, autosomal recessive and X linked inheritance.

Allele frequency attached by ClinVar (database versions not stated): ESP Exome Variant Server 0.05083; TOPMed 0.05569; gnomAD 0.05620 and 0.05757; gnomAD exomes 0.07078; ExAC 0.09426; 1000 Genomes Project 0.03055; 1000 Genomes Project 30x 0.03232.
gnomAD v4.1: 103,695 of 1,600,362 alleles (6.5%); highest among the groups gnomAD compares: Admixed American, 15%; 4,150 homozygotes.

Submissions (2):

Illumina Laboratory Services, Illumina
Classification: Benign for Retinitis pigmentosa. Last evaluated: 2018-01-12. Review status: criteria provided, single submitter. Criteria: ICSL Variant Classification Criteria 13 December 2019. Collection method: clinical testing. Allele origin: germline.
Comment: This variant was observed in the ICSL laboratory as part of a predisposition screen in an ostensibly healthy population. It had not been previously curated by ICSL or reported in the Human Gene Mutation Database (HGMD: prior to June 1st, 2018), and was therefore a candidate for classification through an automated scoring system. Utilizing variant allele frequency, disease prevalence and penetrance estimates, and inheritance mode, an automated score was calculated to assess if this variant is too frequent to cause the disease. Based on the score and internal cut-off values, a variant classified as benign is not then subjected to further curation. The score for this variant resulted in a classification of benign for this disease.

Breakthrough Genomics
Classification: Benign. Review status: criteria provided, single submitter. Criteria: ACMG Guidelines, 2015. Collection method: not provided. Allele origin: germline. Inheritance: Unknown mechanism. Affected: yes.